The following is an entry in ClinVar:

ClinVar aggregate classification (germline): Uncertain significance. Review status: criteria provided, multiple submitters, no conflicts (2 of 4 stars). 6 submissions from 6 submitters: Uncertain significance (6). Last evaluated 2025-06-29.

Conditions:
Hereditary cancer-predisposing syndrome. Also called: Hereditary neoplastic syndrome; Neoplastic Syndromes, Hereditary; Tumor predisposition; Hereditary Cancer Syndrome. Identifiers: Orphanet 140162, MedGen C0027672, MeSH D009386, MONDO:0015356.
Juvenile polyposis syndrome (JPS). Identifiers: Orphanet 2929, MedGen C0345893, MONDO:0017380, OMIM 174900.

Submissions (6):

GeneDx
Classification: Uncertain significance. Last evaluated: 2025-06-29. Review status: criteria provided, single submitter. Criteria: GeneDx Variant Classification Process June 2021. Collection method: clinical testing. Allele origin: germline. Affected: yes.
Comment: Not observed at significant frequency in large population cohorts (gnomAD); In silico analysis supports that this missense variant has a deleterious effect on protein structure/function; Has not been previously published as pathogenic or benign to our knowledge

Labcorp Genetics (formerly Invitae), Labcorp
Classification: Uncertain significance for Juvenile polyposis syndrome. Last evaluated: 2025-05-05. Review status: criteria provided, single submitter. Criteria: Invitae Variant Classification Sherloc (09022015). Collection method: clinical testing. Allele origin: germline.
Comment: This sequence change replaces alanine, which is neutral and non-polar, with serine, which is neutral and polar, at codon 384 of the BMPR1A protein (p.Ala384Ser). This variant is not present in population databases (gnomAD no frequency). This variant has not been reported in the literature in individuals affected with BMPR1A-related conditions. ClinVar contains an entry for this variant (Variation ID: 1039977). Invitae Evidence Modeling of protein sequence and biophysical properties (such as structural, functional, and spatial information, amino acid conservation, physicochemical variation, residue mobility, and thermodynamic stability) has been performed for this missense variant. However, the output from this modeling did not meet the statistical confidence thresholds required to predict the impact of this variant on BMPR1A protein function. In summary, the available evidence is currently insufficient to determine the role of this variant in disease. Therefore, it has been classified as a Variant of Uncertain Significance.

Molecular Diagnostics Laboratory, Catalan Institute of Oncology
Classification: Uncertain significance for Hereditary cancer-predisposing syndrome. Last evaluated: 2025-01-19. Review status: criteria provided, single submitter. Criteria: ACMG Guidelines, 2015. Collection method: clinical testing. Allele origin: germline.
Comment: PM1_Supporting, PM2_Supporting c.1150G>T, located in exon 10 of the BMPR1A gene, is predicted to result in the substitution of Ala by Ser at codon 384, p.(Ala384Ser). This amino acid position, located within the kinase domain (235-520 aa), is a highly conserved amino acid (PM1_supporting). It is not present in the population database gnomAD v2.1.1, non-cancer dataset (PM2_supporting). The SpliceAI algorithm predicts no significant impact on splicing, but the REVEL meta-predictor score (0.585) for this variant is indeterminate regarding the effect that it may have on protein function according Pejaver 2022 thresholds (PMID: 36413997). To our knowledge, neither relevant clinical data nor well-established functional studies have been reported for this variant, and there are no reports of pathogenic missense variants in the same codon. This variant has been reported in the Clinvar database (3x uncertain significance) but has not been reported in LOVD database. Based on currently available information, the variant c.1150G>T should be considered a an uncertain significance variant.

All of Us Research Program, National Institutes of Health
Classification: Uncertain significance for Juvenile polyposis syndrome. Last evaluated: 2023-11-20. Review status: criteria provided, single submitter. Criteria: ACMG Guidelines, 2015. Collection method: clinical testing. Allele origin: germline. Inheritance: Autosomal dominant inheritance. Observed: 1 variant allele, 1 heterozygote.
Comment: This missense variant replaces alanine with serine at codon 384 of the BMPR1A protein. Computational prediction is inconclusive regarding the impact of this variant on protein structure and function (internally defined REVEL score threshold 0.5 < inconclusive < 0.7, PMID: 27666373). To our knowledge, functional studies have not been reported for this variant. This variant has not been reported in individuals affected with BMPR1A-related disorders in the literature. This variant has not been identified in the general population by the Genome Aggregation Database (gnomAD). The available evidence is insufficient to determine the role of this variant in disease conclusively. Therefore, this variant is classified as a Variant of Uncertain Significance.

This study involves interpretation of variants in research participants for the purpose of population health screening. Participant phenotype was not available at the time of variant classification. Additional details can be found in publication PMID: 35346344, PMCID: PMC8962531

Ambry Genetics
Classification: Uncertain significance for Hereditary cancer-predisposing syndrome. Last evaluated: 2023-02-13. Review status: criteria provided, single submitter. Criteria: Ambry Variant Classification Scheme 2023. Collection method: clinical testing. Allele origin: germline.
Comment: The p.A384S variant (also known as c.1150G>T), located in coding exon 8 of the BMPR1A gene, results from a G to T substitution at nucleotide position 1150. The alanine at codon 384 is replaced by serine, an amino acid with similar properties. This amino acid position is highly conserved in available vertebrate species. In addition, the in silico prediction for this alteration is inconclusive. Since supporting evidence is limited at this time, the clinical significance of this alteration remains unclear.

Sema4
Classification: Uncertain significance for Hereditary cancer-predisposing syndrome. Last evaluated: 2021-04-27. Review status: criteria provided, single submitter. Criteria: Sema4 Curation Guidelines. Collection method: curation. Allele origin: germline.
Comment: The BMPR1A c.1150G>T (p.A384S) variant has not been reported in the literature to our knowledge. It was not observed in the large and broad cohorts of the Genome Aggregation Database (PMID: 32461654). The variant has been reported in ClinVar (Variation ID 1039977). In silico tools suggest the impact of the variant on protein function is inconclusive, though these predictions have not been confirmed by functional studies. The overall evidence is insufficient to meet ACMG/AMP criteria for classifying it as benign or pathogenic. In summary, the clinical significance of this variant is currently uncertain.

NM_004329.3(BMPR1A):c.1150G>T (p.Ala384Ser)

Gene: BMPR1A (bone morphogenetic protein receptor type 1A; plus strand). Cytogenetic location: 10q23.2.
Variant type: single nucleotide variant.
Coding change: c.1150G>T on transcript NM_004329.3 (MANE Select); coding-DNA position 1150, G replaced by T.
Protein change: p.Ala384Ser; replaces alanine 384 with serine.
Molecular consequence: missense variant.
Genome position (GRCh38, 1-based): chr10:86,919,453, G>T. VCF-style: chr10-86919453-G-T. GRCh37 (hg19) VCF-style: chr10-88679210-G-T.
Other names: short protein forms A384S.
Identifiers: ClinVar variation 1039977 (VCV001039977.15), dbSNP rs1843628839, ClinGen allele CA377461283.